The following is an entry in ClinVar:

NM_032977.4(CASP10):c.57C>G (p.Ser19Arg)

Gene: CASP10 (caspase 10; plus strand). Cytogenetic location: 2q33.1.
Variant type: single nucleotide variant.
Coding change: c.57C>G on transcript NM_032977.4 (MANE Select); coding-DNA position 57, C replaced by G.
Protein change: p.Ser19Arg; replaces serine 19 with arginine.
Molecular consequence: missense variant.
Genome position (GRCh38, 1-based): chr2:201,185,834, C>G. VCF-style: chr2-201185834-C-G. GRCh37 (hg19) VCF-style: chr2-202050557-C-G.
Other names: c.57C>G, p.Ser19Arg (NM_001206524.2, NM_001206542.2, NM_001230.5 and 3 more transcripts); short protein forms S19R.
Identifiers: ClinVar variation 2941340 (VCV002941340.3), dbSNP rs1259990832, ClinGen allele CA350277488.

ClinVar aggregate classification (germline): Uncertain significance (1 of 4 stars; one submission).

Conditions:
Autoimmune lymphoproliferative syndrome type 2A (ALPS2A). Also called: CASP10-Related Autoimmune Lymphoproliferative Syndrome; AUTOIMMUNE LYMPHOPROLIFERATIVE SYNDROME, TYPE IIA; Autoimmune lymphoproliferative syndrome type 2. Identifiers: Orphanet 3261, MedGen C1858968, MONDO:0011383, OMIM 603909.

Allele frequency attached by ClinVar (database versions not stated): TOPMed below 0.00001.

Submission:

Labcorp Genetics (formerly Invitae), Labcorp
Classification: Uncertain significance for Autoimmune lymphoproliferative syndrome type 2A. Last evaluated: 2022-11-06. Review status: criteria provided, single submitter. Criteria: Invitae Variant Classification Sherloc (09022015). Collection method: clinical testing. Allele origin: germline.
Comment: In summary, the available evidence is currently insufficient to determine the role of this variant in disease. Therefore, it has been classified as a Variant of Uncertain Significance. Algorithms developed to predict the effect of missense changes on protein structure and function output the following: SIFT: "Tolerated"; PolyPhen-2: "Benign"; Align-GVGD: "Class C0". The arginine amino acid residue is found in multiple mammalian species, which suggests that this missense change does not adversely affect protein function. This variant has not been reported in the literature in individuals affected with CASP10-related conditions. This variant is not present in population databases (gnomAD no frequency). This sequence change replaces serine, which is neutral and polar, with arginine, which is basic and polar, at codon 19 of the CASP10 protein (p.Ser19Arg).